The following is an entry in ClinVar:

ClinVar aggregate classification (germline): Pathogenic/Likely pathogenic. Review status: criteria provided, multiple submitters, no conflicts (2 of 4 stars). 3 submissions from 3 submitters: Pathogenic (1); Likely pathogenic (2). Last evaluated 2025-11-27.

Submissions (3):

Labcorp Genetics (formerly Invitae), Labcorp
Classification: Pathogenic. Last evaluated: 2025-11-27. Review status: criteria provided, single submitter. Criteria: Invitae Variant Classification Sherloc (09022015). Collection method: clinical testing. Allele origin: germline.
Comment: This sequence change falls in intron 2 of the HNF1A gene. It does not directly change the encoded amino acid sequence of the HNF1A protein. It affects a nucleotide within the consensus splice site. This variant is not present in population databases (gnomAD no frequency). This variant has been observed in individuals with maturity-onset diabetes of the young (PMID: 17337496; internal data). It has also been observed to segregate with disease in related individuals. This variant is also known as c.526+1delGTAA. ClinVar contains an entry for this variant (Variation ID: 1256574). Variants that disrupt the consensus splice site are a relatively common cause of aberrant splicing (PMID: 17576681, 9536098). Algorithms developed to predict the effect of sequence changes on RNA splicing suggest that this variant may disrupt the consensus splice site. For these reasons, this variant has been classified as Pathogenic.

GeneDx
Classification: Likely pathogenic. Last evaluated: 2025-10-14. Review status: criteria provided, single submitter. Criteria: GeneDx Variant Classification Process June 2021. Collection method: clinical testing. Allele origin: germline.
Comment: Intronic +5 splice site variant in a gene for which loss of function is a known mechanism of disease, and splice predictors support a deleterious effect; Not observed at significant frequency in large population cohorts (gnomAD); This variant is associated with the following publications: (PMID: 17337496)

Athena Diagnostics
Classification: Likely pathogenic. Last evaluated: 2024-08-20. Review status: criteria provided, single submitter. Criteria: Athena Diagnostics Criteria. Collection method: clinical testing. Allele origin: unknown.
Comment: This variant has not been reported in large, multi-ethnic general populations. This variant appears to segregate with disease in at least one family. In published literature, this variant is referred to as c.526+1delGTAA. Computational tools yielded predictions that this variant may interfere with normal RNA splicing.

Literature cited by the submitters: PubMed 17337496 (cited by Labcorp Genetics (formerly Invitae), Labcorp and Athena Diagnostics); PubMed 17576681 (cited by Labcorp Genetics (formerly Invitae), Labcorp); PubMed 9536098 (cited by Labcorp Genetics (formerly Invitae), Labcorp).

NM_000545.8(HNF1A):c.526+5_526+8del

Gene: HNF1A (HNF1 homeobox A; plus strand). Cytogenetic location: 12q24.31.
Variant type: Microsatellite.
Coding change: c.526+5_526+8del on transcript NM_000545.8 (MANE Select); bases 5 to 8 of the intron after coding-DNA position 526, 4 bases deleted (GTAA; older notation c.526+5_526+8delGTAA).
Molecular consequence: splice donor variant.
Genome position (GRCh38, 1-based): chr12:120,989,037-120,989,040, GTAA deleted; deleting any 4 consecutive bases within chr12:120,989,033-120,989,040 gives the same sequence; the c. name uses the placement nearest the transcript's 3' end. VCF-style (leftmost placement, unchanged base first): chr12-120989032-CGTAA-C. GRCh37 (hg19) VCF-style: chr12-121426835-CGTAA-C.
Other names: c.526+5_526+8del (NM_001306179.2).
Identifiers: ClinVar variation 1256574 (VCV001256574.8), dbSNP rs2135833007, ClinGen allele CA2580614580.
Genomic context (GRCh38, chr12:120,989,032, plus strand): 5'-ACGCAGAAGCGGGCCGCCCTGTACACCTGGTACGTCCGCAAGCAGCGAGAGGTGGCGCAG[CGTAA>C]GTAATGACCCTACCCCGCATCTTCCCTGGGAGGGCCCAGGACTCTCCCCTAACTCATAGG-3'